The following is an entry in ClinVar:

NM_032982.4(CASP2):c.876+1G>T

Gene: CASP2 (caspase 2; plus strand). Cytogenetic location: 7q34.
Variant type: single nucleotide variant.
Coding change: c.876+1G>T on transcript NM_032982.4 (MANE Select); the canonical splice donor site of the intron after coding-DNA position 876, G replaced by T.
Molecular consequence: splice donor variant.
Genome position (GRCh38, 1-based): chr7:143,300,052, G>T. VCF-style: chr7-143300052-G-T. GRCh37 (hg19) VCF-style: chr7-142997145-G-T.
Other names: IVS7DS, G-T, +1; c.*331+1G>T (NM_032983.4); c.783+1G>T (NM_001224.5).
Identifiers: ClinVar variation 2499511 (VCV002499511.4), dbSNP rs1801868524, ClinGen allele CA369671521.

ClinVar aggregate classification (germline): Pathogenic. Review status: criteria provided, single submitter (1 of 4 stars). 2 submissions from 2 submitters: Pathogenic (1). 1 of the submissions does not count toward it. Last evaluated 2023-04-04.

Conditions:
Inborn genetic diseases. Identifiers: MedGen C0950123, MeSH D030342.
Intellectual developmental disorder, autosomal recessive 80, with variant lissencephaly (MRT80). Identifiers: MedGen C5882733, MONDO:0957999, OMIM 620653.

Submissions (2):

Acibadem Labgen Genetic Diagnostic Center
Classification: Pathogenic for Inborn genetic diseases. Last evaluated: 2023-04-04. Review status: criteria provided, single submitter. Criteria: ACMG Guidelines, 2015. Collection method: clinical testing. Allele origin: maternal. Inheritance: Autosomal recessive inheritance. Affected: yes. Observed: 1 compound heterozygote.
Comment: It is seen as compound heterozygous with c.130C>T allele.

OMIM
Classification: Pathogenic for INTELLECTUAL DEVELOPMENTAL DISORDER, AUTOSOMAL RECESSIVE 80, WITH VARIANT LISSENCEPHALY. Last evaluated: 2024-01-09. Review status: no assertion criteria provided. Collection method: literature only. Allele origin: germline. Not counted in ClinVar's aggregate classification.

Literature cited by the submitters: PubMed 37880421 (cited by OMIM).